The following is an entry in ClinVar:

ClinVar aggregate classification (germline): Benign/Likely benign. Review status: criteria provided, multiple submitters, no conflicts (2 of 4 stars). 6 submissions from 6 submitters: Benign (3); Likely benign (1). 2 of the submissions do not count toward it. Last evaluated 2026-01-09.

Conditions:
Aortic aneurysm, familial thoracic 4 (AAT4). Also called: AORTIC ANEURYSM/AORTIC DISSECTION AND PATENT DUCTUS ARTERIOSUS. Identifiers: MedGen C1851504, MONDO:0007568, OMIM 132900.

Allele frequency attached by ClinVar (database versions not stated): gnomAD 0.00013; TOPMed 0.00020; 1000 Genomes Project 30x 0.00109; 1000 Genomes Project 0.00120.
gnomAD v4.1: 1,403 of 1,610,974 alleles (0.087%); highest among the groups gnomAD compares: South Asian, 1.2%; 15 homozygotes.

Submissions (6):

Labcorp Genetics (formerly Invitae), Labcorp
Classification: Benign for Aortic aneurysm, familial thoracic 4. Last evaluated: 2026-01-09. Review status: criteria provided, single submitter. Criteria: Invitae Variant Classification Sherloc (09022015). Collection method: clinical testing. Allele origin: germline.

Blueprint Genetics
Classification: Likely benign. Last evaluated: 2024-11-27. Review status: criteria provided, single submitter. Criteria: ACMG Guidelines, 2015. Collection method: clinical testing. Allele origin: germline.

Women's Health and Genetics/Laboratory Corporation of America, LabCorp
Classification: Benign. Last evaluated: 2021-07-05. Review status: criteria provided, single submitter. Criteria: LabCorp Variant Classification Summary - May 2015. Collection method: clinical testing. Allele origin: germline.
Comment: Variant summary: MYH11 c.3879+16G>C alters a non-conserved nucleotide located close to a canonical splice site and therefore could affect mRNA splicing, leading to a significantly altered protein sequence. 4/4 computational tools predict no significant impact on normal splicing. However, these predictions have yet to be confirmed by functional studies. The variant allele was found at a frequency of 0.0017 in 247464 control chromosomes, predominantly at a frequency of 0.012 within the South Asian subpopulation in the gnomAD database, including 6 homozygotes. The observed variant frequency within South Asian control individuals in the gnomAD database is approximately 960- fold the estimated maximal expected allele frequency for a pathogenic variant in MYH11 causing Thoracic Aortic Aneurysms And Dissections phenotype (1.3e-05), strongly suggesting that the variant is a benign polymorphism found primarily in populations of South Asian origin. To our knowledge, no occurrence of c.3879+16G>C in individuals affected with Thoracic Aortic Aneurysms And Dissections and no experimental evidence demonstrating its impact on protein function have been reported. No clinical diagnostic laboratories have submitted clinical-significance assessments for this variant to ClinVar after 2014. Based on the evidence outlined above, the variant was classified as benign.

GeneDx
Classification: Benign. Last evaluated: 2013-07-15. Review status: criteria provided, single submitter. Criteria: GeneDx Variant Classification (06012015). Collection method: clinical testing. Allele origin: germline. Affected: yes.
Comment: This variant is considered likely benign or benign based on one or more of the following criteria: it is a conservative change, it occurs at a poorly conserved position in the protein, it is predicted to be benign by multiple in silico algorithms, and/or has population frequency not consistent with disease.

Genome Diagnostics Laboratory, Amsterdam University Medical Center
Classification: Likely benign. Review status: no assertion criteria provided. Collection method: clinical testing. Allele origin: germline. Affected: yes. Study: VKGL Data-share Consensus. Not counted in ClinVar's aggregate classification.

Genome Diagnostics Laboratory, University Medical Center Utrecht
Classification: Benign. Review status: no assertion criteria provided. Collection method: clinical testing. Allele origin: germline. Affected: yes. Study: VKGL Data-share Consensus. Not counted in ClinVar's aggregate classification.

NM_002474.3(MYH11):c.3858+16G>C

Gene: MYH11 (myosin heavy chain 11; minus strand). Cytogenetic location: 16p13.11.
Variant type: single nucleotide variant.
Coding change: c.3858+16G>C on transcript NM_002474.3 (MANE Select); 16 bases into the intron after coding-DNA position 3858, G replaced by C.
Molecular consequence: intron variant.
Genome position (GRCh38, 1-based): chr16:15,726,832, C>G on the plus strand (G>C on the coding strand, the complement: MYH11 is on the minus strand). VCF-style: chr16-15726832-C-G. GRCh37 (hg19) VCF-style: chr16-15820689-C-G.
Other names: c.3858+16G>C (NM_022844.3); c.3879+16G>C (NM_001040114.2, NM_001040113.2).
Identifiers: ClinVar variation 138336 (VCV000138336.13), dbSNP rs370164910, ClinGen allele CA292290.